The following is an entry in ClinVar:

ClinVar aggregate classification (germline): Uncertain significance (1 of 4 stars; one submission).

Conditions:
Alagille syndrome due to a JAG1 point mutation. Also called: HEPATIC DUCTULAR HYPOPLASIA, SYNDROMATIC; Alagille Syndrome 1; JAG1-Related Alagille Syndrome. Identifiers: Orphanet 261619, Orphanet 52, MedGen C1956125, MONDO:0016862, OMIM 118450.

Submission:

Labcorp Genetics (formerly Invitae), Labcorp
Classification: Uncertain significance for Alagille syndrome due to a JAG1 point mutation. Last evaluated: 2024-10-21. Review status: criteria provided, single submitter. Criteria: Invitae Variant Classification Sherloc (09022015). Collection method: clinical testing. Allele origin: germline.
Comment: This sequence change replaces histidine, which is basic and polar, with glutamine, which is neutral and polar, at codon 602 of the JAG1 protein (p.His602Gln). This variant is not present in population databases (gnomAD no frequency). This variant has not been reported in the literature in individuals affected with JAG1-related conditions. ClinVar contains an entry for this variant (Variation ID: 2126008). Invitae Evidence Modeling of protein sequence and biophysical properties (such as structural, functional, and spatial information, amino acid conservation, physicochemical variation, residue mobility, and thermodynamic stability) has been performed for this missense variant. However, the output from this modeling did not meet the statistical confidence thresholds required to predict the impact of this variant on JAG1 protein function. In summary, the available evidence is currently insufficient to determine the role of this variant in disease. Therefore, it has been classified as a Variant of Uncertain Significance.

NM_000214.3(JAG1):c.1806C>G (p.His602Gln)

Gene: JAG1 (jagged canonical Notch ligand 1; minus strand). Cytogenetic location: 20p12.2.
Variant type: single nucleotide variant.
Coding change: c.1806C>G on transcript NM_000214.3 (MANE Select); coding-DNA position 1806, C replaced by G.
Protein change: p.His602Gln; replaces histidine 602 with glutamine.
Molecular consequence: missense variant.
Genome position (GRCh38, 1-based): chr20:10,647,018, G>C on the plus strand (C>G on the coding strand, the complement: JAG1 is on the minus strand). VCF-style: chr20-10647018-G-C. GRCh37 (hg19) VCF-style: chr20-10627666-G-C.
Other names: short protein forms H602Q.
Identifiers: ClinVar variation 2126008 (VCV002126008.4), dbSNP rs764290237, ClinGen allele CA408236108.